The following is an entry in ClinVar:

ClinVar aggregate classification (germline): Uncertain significance. Review status: criteria provided, multiple submitters, no conflicts (2 of 4 stars). 2 submissions from 2 submitters: Uncertain significance (2). Last evaluated 2025-06-02.

Conditions:
Myofibrillar myopathy 6. Identifiers: Orphanet 199340, MedGen C2751831, MONDO:0013061, OMIM 612954.
Dilated cardiomyopathy 1HH (CMD1HH). Identifiers: Orphanet 154, MedGen C3151293, MONDO:0013479, OMIM 613881.
Cardiovascular phenotype. Identifiers: MedGen CN230736.

Allele frequency attached by ClinVar (database versions not stated): ExAC 0.00002; gnomAD exomes 0.00004.
gnomAD v4.1: 12 of 1,614,048 alleles (0.00074%); highest among the groups gnomAD compares: Admixed American, 0.02%; no homozygotes.

Submissions (2):

Labcorp Genetics (formerly Invitae), Labcorp
Classification: Uncertain significance for Dilated cardiomyopathy 1HH; Myofibrillar myopathy 6. Last evaluated: 2025-06-02. Review status: criteria provided, single submitter. Criteria: Invitae Variant Classification Sherloc (09022015). Collection method: clinical testing. Allele origin: germline.
Comment: This sequence change replaces serine, which is neutral and polar, with tyrosine, which is neutral and polar, at codon 386 of the BAG3 protein (p.Ser386Tyr). This variant is present in population databases (rs756178548, gnomAD 0.03%). This variant has not been reported in the literature in individuals affected with BAG3-related conditions. ClinVar contains an entry for this variant (Variation ID: 519110). Invitae Evidence Modeling of protein sequence and biophysical properties (such as structural, functional, and spatial information, amino acid conservation, physicochemical variation, residue mobility, and thermodynamic stability) indicates that this missense variant is not expected to disrupt BAG3 protein function with a negative predictive value of 80%. In summary, the available evidence is currently insufficient to determine the role of this variant in disease. Therefore, it has been classified as a Variant of Uncertain Significance.

Ambry Genetics
Classification: Uncertain significance for Cardiovascular phenotype. Last evaluated: 2024-12-07. Review status: criteria provided, single submitter. Criteria: Ambry Variant Classification Scheme 2023. Collection method: clinical testing. Allele origin: germline.
Comment: The p.S386Y variant (also known as c.1157C>A), located in coding exon 4 of the BAG3 gene, results from a C to A substitution at nucleotide position 1157. The serine at codon 386 is replaced by tyrosine, an amino acid with dissimilar properties. This amino acid position is not well conserved in available vertebrate species. In addition, this alteration is predicted to be tolerated by in silico analysis. Since supporting evidence is limited at this time, the clinical significance of this alteration remains unclear.

NM_004281.4(BAG3):c.1157C>A (p.Ser386Tyr)

Gene: BAG3 (BAG cochaperone 3; plus strand). Cytogenetic location: 10q26.11.
Variant type: single nucleotide variant.
Coding change: c.1157C>A on transcript NM_004281.4 (MANE Select); coding-DNA position 1157, C replaced by A.
Protein change: p.Ser386Tyr; replaces serine 386 with tyrosine.
Molecular consequence: missense variant.
Genome position (GRCh38, 1-based): chr10:119,676,711, C>A. VCF-style: chr10-119676711-C-A. GRCh37 (hg19) VCF-style: chr10-121436223-C-A.
Other names: short protein forms S386Y.
Identifiers: ClinVar variation 519110 (VCV000519110.13), dbSNP rs756178548, ClinGen allele CA5716499.